The following is an entry in ClinVar:

ClinVar aggregate classification (germline): Uncertain significance. Review status: criteria provided, multiple submitters, no conflicts (2 of 4 stars). 2 submissions from 2 submitters: Uncertain significance (2). Last evaluated 2024-10-08.

Conditions:
Hereditary cancer-predisposing syndrome. Also called: Neoplastic Syndromes, Hereditary; Hereditary neoplastic syndrome; Tumor predisposition; Hereditary Cancer Syndrome. Identifiers: Orphanet 140162, MedGen C0027672, MeSH D009386, MONDO:0015356.
Familial cancer of breast. Also called: Hereditary breast cancer; BREAST CANCER, FAMILIAL; hereditary breast carcinoma. Identifiers: Orphanet 227535, MedGen C0346153, MONDO:0016419, OMIM 114480. Disease mechanism: loss of function.
Fanconi anemia complementation group J. Also called: BRIP1-Related Fanconi Anemia. Identifiers: Orphanet 84, MedGen C1836860, MONDO:0012187, OMIM 609054.

Submissions (2):

Labcorp Genetics (formerly Invitae), Labcorp
Classification: Uncertain significance for Familial cancer of breast; Fanconi anemia complementation group J. Last evaluated: 2024-10-08. Review status: criteria provided, single submitter. Criteria: Invitae Variant Classification Sherloc (09022015). Collection method: clinical testing. Allele origin: germline.
Comment: This sequence change replaces leucine, which is neutral and non-polar, with proline, which is neutral and non-polar, at codon 26 of the BRIP1 protein (p.Leu26Pro). This variant is not present in population databases (gnomAD no frequency). This variant has not been reported in the literature in individuals affected with BRIP1-related conditions. ClinVar contains an entry for this variant (Variation ID: 663925). Invitae Evidence Modeling of protein sequence and biophysical properties (such as structural, functional, and spatial information, amino acid conservation, physicochemical variation, residue mobility, and thermodynamic stability) indicates that this missense variant is expected to disrupt BRIP1 protein function with a positive predictive value of 95%. In summary, the available evidence is currently insufficient to determine the role of this variant in disease. Therefore, it has been classified as a Variant of Uncertain Significance.

Color Diagnostics, LLC DBA Color Health
Classification: Uncertain significance for Hereditary cancer-predisposing syndrome. Last evaluated: 2023-11-06. Review status: criteria provided, single submitter. Criteria: ACMG Guidelines, 2015. Collection method: clinical testing. Allele origin: germline.
Comment: This missense variant replaces leucine with proline at codon 26 of the BRIP1 protein. Computational prediction suggests that this variant may have deleterious impact on protein structure and function (internally defined REVEL score threshold >= 0.7, PMID: 27666373). To our knowledge, functional studies have not been reported for this variant. This variant has not been reported in individuals affected with BRIP1-related disorders in the literature. This variant has not been identified in the general population by the Genome Aggregation Database (gnomAD). The available evidence is insufficient to determine the role of this variant in disease conclusively. Therefore, this variant is classified as a Variant of Uncertain Significance.

NM_032043.3(BRIP1):c.77T>C (p.Leu26Pro)

Gene: BRIP1 (BRCA1 interacting DNA helicase 1; minus strand). Cytogenetic location: 17q23.2.
Variant type: single nucleotide variant.
Coding change: c.77T>C on transcript NM_032043.3 (MANE Select); coding-DNA position 77, T replaced by C.
Protein change: p.Leu26Pro; replaces leucine 26 with proline.
Molecular consequence: missense variant.
Genome position (GRCh38, 1-based): chr17:61,861,463, A>G on the plus strand (T>C on the coding strand, the complement: BRIP1 is on the minus strand). VCF-style: chr17-61861463-A-G. GRCh37 (hg19) VCF-style: chr17-59938824-A-G.
Other names: short protein forms L26P.
Identifiers: ClinVar variation 663925 (VCV000663925.11), dbSNP rs1603368414, ClinGen allele CA400485930.
Genomic context (GRCh38, chr17:61,861,463, plus strand): 5'-GTATCTATATCTTAATAAAAACTTAACTGCTGAAAAATACTTACAGAATTCATCATAGCA[A>G]GCTGTGACGGGTAAGCTTTATAAGGAAAGTAAATCTTCACCCCACCAATTGTATATTCAG-3'
Protein context (NP_114432.2, residues 16-36): YFPYKAYPSQ[Leu26Pro]AMMNSILRGL